The following is an entry in ClinVar:

NM_004525.3(LRP2):c.22G>A (p.Val8Met)

Gene: LRP2 (LDL receptor related protein 2; minus strand). Cytogenetic location: 2q31.1.
Variant type: single nucleotide variant.
Coding change: c.22G>A on transcript NM_004525.3 (MANE Select); coding-DNA position 22, G replaced by A.
Protein change: p.Val8Met; replaces valine 8 with methionine.
Molecular consequence: missense variant.
Genome position (GRCh38, 1-based): chr2:169,362,378, C>T on the plus strand (G>A on the coding strand, the complement: LRP2 is on the minus strand). VCF-style: chr2-169362378-C-T. GRCh37 (hg19) VCF-style: chr2-170218888-C-T.
Other names: short protein forms V8M.
Identifiers: ClinVar variation 1516133 (VCV001516133.6), dbSNP rs747080240, ClinGen allele CA1956028.
Genomic context (GRCh38, chr2:169,362,378, plus strand): 5'-TACCTTGGCCACTGGCCGGCGCTAGGCAGGCGACGAGAGCCAGGAGCAGCGTGCACGCCA[C>T]TGCTGCCGGCCCGCGATCCATCTCCGCGACGGTCCCCGGCCTCGCCGTTCCTTCCCCGGG-3'
Protein context (NP_004516.2, residues 1-18): MDRGPAA[Val8Met]ACTLLLALVA

ClinVar aggregate classification (germline): Uncertain significance. Review status: criteria provided, multiple submitters, no conflicts (2 of 4 stars). 2 submissions from 2 submitters: Uncertain significance (2). Last evaluated 2022-09-07.

Conditions:
Donnai-Barrow syndrome. Also called: DBS/FOAR SYNDROME; FACIOOCULOACOUSTICORENAL SYNDROME. Identifiers: Orphanet 2143, MedGen C1857277, MONDO:0009104, OMIM 222448.

Allele frequency attached by ClinVar (database versions not stated): gnomAD exomes below 0.00001 and 0.00001; TOPMed below 0.00001; gnomAD 0.00002; ExAC 0.00004.
gnomAD v4.1: 8 of 1,567,830 alleles (0.00051%); highest among the groups gnomAD compares: African/African-American, 0.0041%; no homozygotes.

Submissions (2):

Labcorp Genetics (formerly Invitae), Labcorp
Classification: Uncertain significance. Last evaluated: 2022-09-07. Review status: criteria provided, single submitter. Criteria: Invitae Variant Classification Sherloc (09022015). Collection method: clinical testing. Allele origin: germline.
Comment: This sequence change replaces valine, which is neutral and non-polar, with methionine, which is neutral and non-polar, at codon 8 of the LRP2 protein (p.Val8Met). The frequency data for this variant in the population databases is considered unreliable, as metrics indicate poor data quality at this position in the gnomAD database. This variant has not been reported in the literature in individuals affected with LRP2-related conditions. ClinVar contains an entry for this variant (Variation ID: 1516133). Advanced modeling of protein sequence and biophysical properties (such as structural, functional, and spatial information, amino acid conservation, physicochemical variation, residue mobility, and thermodynamic stability) performed at Invitae indicates that this missense variant is not expected to disrupt LRP2 protein function. In summary, the available evidence is currently insufficient to determine the role of this variant in disease. Therefore, it has been classified as a Variant of Uncertain Significance.

Fulgent Genetics
Classification: Uncertain significance for Donnai-Barrow syndrome. Last evaluated: 2021-09-13. Review status: criteria provided, single submitter. Criteria: ACMG Guidelines, 2015. Collection method: clinical testing. Allele origin: unknown.